The following is an entry in ClinVar:

ClinVar aggregate classification (germline): Likely pathogenic (1 of 4 stars; one submission).

Conditions:
Granulomatous disease, chronic, X-linked. Also called: GRANULOMATOUS DISEASE, CHRONIC, X-LINKED, SOMATIC MOSAIC; CYTOCHROME b-NEGATIVE GRANULOMATOUS DISEASE, CHRONIC, X-LINKED. Identifiers: Orphanet 379, MedGen C1844376, MONDO:0010600, OMIM 306400.

Submission:

Infectious Diseases Department, St. Jude Children's Research Hospital
Classification: Likely pathogenic for Granulomatous disease, chronic, X-linked. Last evaluated: 2025-07-14. Review status: criteria provided, single submitter. Criteria: ACMG Guidelines, 2015. Collection method: clinical testing. Allele origin: germline. Inheritance: X-linked inheritance. Affected: yes. Observed: 1 hemizygote.
Comment: A likely pathogenic variant in the CYBB gene has been identified in the hemizygous state, associated with X-linked CYBB-related disorders. CYBB(NM_000397.4):c.1154T>G (p.Ile385Arg), missense variant, hemizygous, classified as LIKELY PATHOGENIC, associated with X-linked CYBB-related disorders. The substitution of a thymine for a guanine at coding position 1154 results in the replacement of a moderately conserved isoleucine to an arginine at residue 385 of the protein. This variant has been reported in the hemizygous state in at least 2 individuals with Chronic granulomatous disease (Kuhns et al., 2010; Chiu et al., 2022). Additionally, this variant has been reported in at least 1 other individual with Chronic granulomatous disease (zygosity not indicated) (Rawat et al., 2014). This variant is located in exon 10, in the Ferredoxin reductase-type FAD-binding domain, a domain that binds flavin adenine dinucleotide (FAD). A functional study showed that the p.Ile385Arg variant alters superoxide production and affects the protein (Kuhns et al., 2010). Missense variants between amino acids 310 to 570 results in a loss of NADPH oxidase activity (Kuhns et al., 2010). This variant is absent from large control population databases (gnomAD), and is absent in ClinVar (accessed 06/03/2025). In summary, the p.Ile385Arg variant meets criteria (ACMG, Richards et al., 2015) to be classified as likely pathogenic for X-linked CYBB-related disorders.

Literature cited by the submitters: DOI 10.1186/s13052-023-01496-7.

NM_000531.6(OTC):c.386+7663T>G

Gene: OTC (ornithine transcarbamylase; plus strand). Cytogenetic location: Xp11.4.
Variant type: single nucleotide variant.
Coding change: c.386+7663T>G on transcript NM_000531.6 (MANE Select); 7663 bases into the intron after coding-DNA position 386, T replaced by G.
Molecular consequence: intron variant.
Genome position (GRCh38, 1-based): chrX:38,389,092, T>G. VCF-style: chrX-38389092-T-G. GRCh37 (hg19) VCF-style: chrX-38248345-T-G.
Other names: c.386+7663T>G (NM_001407092.1).
Identifiers: ClinVar variation 4072311 (VCV004072311.1).